The following is an entry in ClinVar:

NM_001267550.2(TTN):c.79917del (p.Ile26639fs)

Genes: TTN-AS1 (TTN antisense RNA 1; plus strand), TTN (titin; minus strand). Cytogenetic location: 2q31.2.
Variant type: Deletion.
Coding change: c.79917del on transcript NM_001267550.2 (MANE Select); coding-DNA position 79917, one base deleted (T; older notation c.79917delT).
Protein change: p.Ile26639fs; shifts the reading frame from isoleucine 26639.
Molecular consequence: frameshift variant.
Genome position (GRCh38, 1-based): chr2:178,566,215, A deleted on the plus strand (T on the coding strand, the reverse complement: TTN is on the minus strand); the first of 2 consecutive A bases (chr2:178,566,215-178,566,216); deleting either gives the same sequence. VCF-style (leftmost placement, unchanged base first): chr2-178566214-CA-C. GRCh37 (hg19) VCF-style: chr2-179430941-CA-C.
Other names: c.74994del, p.Ile24998fs (NM_001256850.1); c.52722del, p.Ile17574fs (NM_003319.4); c.72213del, p.Ile24071fs (NM_133378.4); c.53097del, p.Ile17699fs (NM_133432.3); c.53298del, p.Ile17766fs (NM_133437.4); short protein forms I17766fs, I17699fs, I24071fs, I17574fs, I24998fs, I26639fs.
Identifiers: ClinVar variation 946400 (VCV000946400.10), dbSNP rs1705777731, ClinGen allele CA1139657427.

ClinVar aggregate classification (germline): Likely pathogenic (1 of 4 stars; one submission).

Conditions:
Autosomal recessive limb-girdle muscular dystrophy type 2J (LGMDR10). Also called: Limb-girdle muscular dystrophy, type 2J; MUSCULAR DYSTROPHY, LIMB-GIRDLE, AUTOSOMAL RECESSIVE 10. Identifiers: Orphanet 140922, MedGen C1837342, MONDO:0012127, OMIM 608807.
Dilated cardiomyopathy 1G (CMD1G). Identifiers: Orphanet 154, MedGen C1858763, MONDO:0011400, OMIM 604145.

Submission:

Labcorp Genetics (formerly Invitae), Labcorp
Classification: Likely pathogenic for Dilated cardiomyopathy 1G; Autosomal recessive limb-girdle muscular dystrophy type 2J. Last evaluated: 2025-08-11. Review status: criteria provided, single submitter. Criteria: Invitae Variant Classification Sherloc (09022015). Collection method: clinical testing. Allele origin: germline.
Comment: This sequence change creates a premature translational stop signal (p.Ile26639Metfs*5) in the TTN gene. While this is not anticipated to result in nonsense mediated decay, it is expected to create a truncated TTN protein. This variant is not present in population databases (gnomAD no frequency). This variant has not been reported in the literature in individuals affected with TTN-related conditions. ClinVar contains an entry for this variant (Variation ID: 946400). This variant is located in the A band of TTN (PMID: 25589632). Truncating variants in this region are significantly overrepresented in patients affected with dilated cardiomyopathy (PMID: 25589632). Truncating variants in this region have also been reported in individuals affected with autosomal recessive centronuclear myopathy (PMID: 23975875). In summary, the currently available evidence indicates that the variant is pathogenic, but additional data are needed to prove that conclusively. Therefore, this variant has been classified as Likely Pathogenic.

Literature cited by the submitters: PubMed 25589632; PubMed 23975875.